The following is an entry in ClinVar:

NM_005609.4(PYGM):c.691_692insATCACAGATGTGTATAAGA (p.Val231delinsAspHisArgCysValTer)

Gene: PYGM (glycogen phosphorylase, muscle associated; minus strand). Cytogenetic location: 11q13.1.
Variant type: Insertion.
Coding change: c.691_692insATCACAGATGTGTATAAGA on transcript NM_005609.4 (MANE Select); coding-DNA positions 691 to 692, ATCACAGATGTGTATAAGA inserted.
Protein change: p.Val231delinsAspHisArgCysValTer.
Molecular consequence: nonsense.
Genome position: GRCh38 VCF-style: chr11-64755527-A-ATCTTATACACATCTGTGAT. GRCh37 (hg19) VCF-style: chr11-64522999-A-ATCTTATACACATCTGTGAT.
Other names: c.427_428insATCACAGATGTGTATAAGA, p.Val143delinsAspHisArgCysValTer (NM_001164716.1).
Identifiers: ClinVar variation 5016437 (VCV005016437.1).

ClinVar aggregate classification (germline): Pathogenic (1 of 4 stars; one submission).

Conditions:
Glycogen storage disease, type V (GSD5). Also called: MCARDLE DISEASE; MUSCLE GLYCOGEN PHOSPHORYLASE DEFICIENCY; MYOPHOSPHORYLASE DEFICIENCY; PYGM DEFICIENCY; McArdle type glycogen storage disease. Identifiers: Orphanet 368, MedGen C0017924, MONDO:0009293, OMIM 232600.

Submission:

Myriad Genetics, Inc.
Classification: Pathogenic for Glycogen storage disease, type V. Last evaluated: 2024-05-14. Review status: criteria provided, single submitter. Criteria: Myriad Autosomal Dominant, Autosomal Recessive and X-Linked Classification Criteria (2023). Collection method: clinical testing. Allele origin: unknown.
Comment: NM_005609.2(PYGM):c.691_692ins19(V231Dfs*6) is expected to be pathogenic in the context of glycogen storage disease, PYGM-related. This variant is predicted to lead to an abnormal or absent protein product due to the creation of a premature termination codon in PYGM, a gene where loss-of-function variants are known to be pathogenic. Please note: this variant was assessed in the context of healthy population screening.